The following is an entry in ClinVar:

ClinVar aggregate classification (germline): Likely pathogenic (1 of 4 stars; one submission).

Conditions:
Polycystic kidney disease, adult type (PKD1). Also called: Polycystic Kidney Disease 1, Autosomal Dominant; Polycystic kidney disease 1; Polycystic kidney disease 1, severe; Polycystic Kidney, Autosomal Dominant; POLYCYSTIC KIDNEY DISEASE 1 WITH OR WITHOUT POLYCYSTIC LIVER DISEASE; POLYCYSTIC KIDNEY DISEASE, ADULT, TYPE I. Identifiers: MedGen C3149841, MONDO:0008263, OMIM 173900.

Submission:

MVZ Medizinische Genetik Mainz
Classification: Likely pathogenic for Polycystic kidney disease, adult type. Last evaluated: 2023-09-18. Review status: criteria provided, single submitter. Criteria: UK Practice Guidelines For Variant Classification V4 01 2020. Collection method: clinical testing. Allele origin: germline. Inheritance: Autosomal dominant inheritance. Affected: yes. Observed: 1 variant allele.
Comment: ACMG Criteria: PP3_STR,PM2_SUP,PM5_SUP,PP4

NM_001009944.3(PKD1):c.7664T>G (p.Val2555Gly)

Gene: PKD1 (polycystin 1, transient receptor potential channel interacting; minus strand). Cytogenetic location: 16p13.3.
Variant type: single nucleotide variant.
Coding change: c.7664T>G on transcript NM_001009944.3 (MANE Select); coding-DNA position 7664, T replaced by G.
Protein change: p.Val2555Gly; replaces valine 2555 with glycine.
Molecular consequence: missense variant.
Genome position (GRCh38, 1-based): chr16:2,106,130, A>C on the plus strand (T>G on the coding strand, the complement: PKD1 is on the minus strand). VCF-style: chr16-2106130-A-C. GRCh37 (hg19) VCF-style: chr16-2156131-A-C.
Other names: c.7664T>G, p.Val2555Gly (NM_000296.4); short protein forms V2555G.
Identifiers: ClinVar variation 3236758 (VCV003236758.1), dbSNP rs2544777388.